The following is an entry in ClinVar:

NM_001098.3(ACO2):c.1727G>A (p.Gly576Asp)

Genes: ACO2 (aconitase 2; plus strand), LOC130067544 (ATAC-STARR-seq lymphoblastoid active region 19118; plus strand). Cytogenetic location: 22q13.2.
Variant type: single nucleotide variant.
Coding change: c.1727G>A on transcript NM_001098.3 (MANE Select); coding-DNA position 1727, G replaced by A.
Protein change: p.Gly576Asp; replaces glycine 576 with aspartic acid.
Molecular consequence: missense variant.
Genome position (GRCh38, 1-based): chr22:41,525,314, G>A. VCF-style: chr22-41525314-G-A. GRCh37 (hg19) VCF-style: chr22-41921318-G-A.
Other names: short protein forms G576D.
Identifiers: ClinVar variation 3638900 (VCV003638900.2).

ClinVar aggregate classification (germline): Uncertain significance (1 of 4 stars; one submission).

Submission:

Labcorp Genetics (formerly Invitae), Labcorp
Classification: Uncertain significance. Last evaluated: 2024-02-05. Review status: criteria provided, single submitter. Criteria: Invitae Variant Classification Sherloc (09022015). Collection method: clinical testing. Allele origin: germline.
Comment: This sequence change replaces glycine, which is neutral and non-polar, with aspartic acid, which is acidic and polar, at codon 576 of the ACO2 protein (p.Gly576Asp). This variant is not present in population databases (gnomAD no frequency). This variant has not been reported in the literature in individuals affected with ACO2-related conditions. Advanced modeling of protein sequence and biophysical properties (such as structural, functional, and spatial information, amino acid conservation, physicochemical variation, residue mobility, and thermodynamic stability) performed at Invitae indicates that this missense variant is not expected to disrupt ACO2 protein function with a negative predictive value of 80%. In summary, the available evidence is currently insufficient to determine the role of this variant in disease. Therefore, it has been classified as a Variant of Uncertain Significance.